The following is an entry in ClinVar:

NM_001290060.2(SEMA3B):c.1138-1del

Gene: SEMA3B (semaphorin 3B; plus strand). Cytogenetic location: 3p21.31.
Variant type: Deletion.
Coding change: c.1138-1del on transcript NM_001290060.2 (MANE Select); the canonical splice acceptor site of the intron before coding-DNA position 1138, one base deleted (G; older notation c.1138-1delG).
Molecular consequence: splice acceptor variant.
Genome position (GRCh38, 1-based): chr3:50,274,362, G deleted. VCF-style (leftmost placement, unchanged base first): chr3-50274361-AG-A. GRCh37 (hg19) VCF-style: chr3-50311792-AG-A.
Other names: c.109-1del (NM_001290062.2, NM_001290063.2); c.1153-1delG (NM_001290061.1); c.1138-1del (NM_004636.4); c.1135-1del (NM_001005914.3); c.1153-1del (NM_001290061.1).
Identifiers: ClinVar variation 3357520 (VCV003357520.2).

ClinVar aggregate classification (germline): Uncertain significance (1 of 4 stars; one submission).

Conditions:
SEMA3B-related disorder. Also called: SEMA3B-related condition.

Submission:

PreventionGenetics, part of Exact Sciences
Classification: Uncertain significance for SEMA3B-related condition. Last evaluated: 2025-08-14. Review status: criteria provided, single submitter. Criteria: ACMG Guidelines, 2015. Collection method: clinical testing. Allele origin: germline.
Comment: The SEMA3B c.1153-1delG variant is predicted to result in a deletion affecting a canonical splice site. To our knowledge, this variant has not been reported in the literature. This variant is reported in 0.0043% of alleles in individuals of European (Non-Finnish) descent in gnomAD. At this time, the clinical significance of this variant is currently uncertain due to the absence of conclusive functional and genetic evidence.